The following is an entry in ClinVar:

ClinVar aggregate classification (germline): Benign (0 of 4 stars; one submission).

Conditions:
TGFBR3-related disorder. Also called: TGFBR3-related condition.

Allele frequency attached by ClinVar (database versions not stated): gnomAD exomes 0.00027; ExAC 0.00090; gnomAD 0.00224; ESP Exome Variant Server 0.00238; TOPMed 0.00259; 1000 Genomes Project 0.00419; 1000 Genomes Project 30x 0.00468.
gnomAD v4.1: 759 of 1,614,184 alleles (0.047%); highest among the groups gnomAD compares: African/African-American, 0.85%; 1 homozygote.

Submission:

PreventionGenetics, part of Exact Sciences
Classification: Benign for TGFBR3-related condition. Last evaluated: 2019-10-28. Review status: no assertion criteria provided. Collection method: clinical testing. Allele origin: germline.
Comment: This variant is classified as benign based on ACMG/AMP sequence variant interpretation guidelines (Richards et al. 2015 PMID: 25741868, with internal and published modifications).

NM_003243.5(TGFBR3):c.1770C>T (p.Asn590=)

Gene: TGFBR3 (transforming growth factor beta receptor 3; minus strand). Cytogenetic location: 1p22.1.
Variant type: single nucleotide variant.
Coding change: c.1770C>T on transcript NM_003243.5 (MANE Select); coding-DNA position 1770, C replaced by T.
Protein change: p.Asn590=; no amino-acid change (asparagine 590 retained).
Molecular consequence: synonymous variant. On other transcripts: non-coding transcript variant (1).
Genome position (GRCh38, 1-based): chr1:91,716,332, G>A on the plus strand (C>T on the coding strand, the complement: TGFBR3 is on the minus strand). VCF-style: chr1-91716332-G-A. GRCh37 (hg19) VCF-style: chr1-92181889-G-A.
Other names: c.1767C>T, p.Asn589= (NM_001195683.2, NM_001195684.1).
Identifiers: ClinVar variation 3040911 (VCV003040911.2), dbSNP rs17884575, ClinGen allele CA947704.